The following is an entry in ClinVar:

NM_004539.4(NARS1):c.871G>C (p.Gly291Arg)

Gene: NARS1 (asparaginyl-tRNA synthetase 1; minus strand). Cytogenetic location: 18q21.31.
Variant type: single nucleotide variant.
Coding change: c.871G>C on transcript NM_004539.4 (MANE Select); coding-DNA position 871, G replaced by C.
Protein change: p.Gly291Arg; replaces glycine 291 with arginine.
Molecular consequence: missense variant.
Genome position (GRCh38, 1-based): chr18:57,607,264, C>G on the plus strand (G>C on the coding strand, the complement: NARS1 is on the minus strand). VCF-style: chr18-57607264-C-G. GRCh37 (hg19) VCF-style: chr18-55274496-C-G.
Other names: short protein forms G291R.
Identifiers: ClinVar variation 5008226 (VCV005008226.1).
Genomic context (GRCh38, chr18:57,607,264, plus strand): 5'-GGGCTGGGAGGCAGGTCTCCAAGTACAACTGAGAGGATTGAGTCAAAAATGCCTCTTCCC[C>G]AAAATAGTCAAGCTTGAAGAGTGTGGCACCACCTTCTACTTGTGTTTGCACTAATGTTGG-3'
Protein context (NP_004530.1, residues 281-301): GATLFKLDYF[Gly291Arg]EEAFLTQSSQ

ClinVar aggregate classification (germline): Uncertain significance (1 of 4 stars; one submission).

Submission:

GeneDx
Classification: Uncertain significance. Last evaluated: 2026-03-12. Review status: criteria provided, single submitter. Criteria: GeneDx Variant Classification Process June 2021. Collection method: clinical testing. Allele origin: germline.
Comment: Not observed at significant frequency in large population cohorts (gnomAD); In silico analysis supports that this missense variant has a deleterious effect on protein structure/function; Has not been previously published as pathogenic or benign to our knowledge